The following is an entry in ClinVar:

ClinVar aggregate classification (germline): Uncertain significance. Review status: criteria provided, multiple submitters, no conflicts (2 of 4 stars). 3 submissions from 3 submitters: Uncertain significance (3). Last evaluated 2023-12-17.

Conditions:
Hereditary cancer-predisposing syndrome. Also called: Neoplastic Syndromes, Hereditary; Hereditary neoplastic syndrome; Tumor predisposition; Hereditary Cancer Syndrome. Identifiers: Orphanet 140162, MedGen C0027672, MeSH D009386, MONDO:0015356.
BAP1-related tumor predisposition syndrome (TPDS1). Also called: BAP1 tumor predisposition syndrome; TUMOR PREDISPOSITION SYNDROME 1; Tumor susceptibility linked to germline BAP1 mutations; COMMON Syndrome. Identifiers: Orphanet 289539, MedGen C3280492, MONDO:0013692, OMIM 614327.

Allele frequency attached by ClinVar (database versions not stated): TOPMed 0.00001.

Submissions (3):

Labcorp Genetics (formerly Invitae), Labcorp
Classification: Uncertain significance for BAP1-related tumor predisposition syndrome. Last evaluated: 2023-12-17. Review status: criteria provided, single submitter. Criteria: Invitae Variant Classification Sherloc (09022015). Collection method: clinical testing. Allele origin: germline.
Comment: This sequence change replaces glutamic acid, which is acidic and polar, with alanine, which is neutral and non-polar, at codon 297 of the BAP1 protein (p.Glu297Ala). This variant is not present in population databases (gnomAD no frequency). This variant has not been reported in the literature in individuals affected with BAP1-related conditions. ClinVar contains an entry for this variant (Variation ID: 2497599). An algorithm developed to predict the effect of missense changes on protein structure and function (PolyPhen-2) suggests that this variant is likely to be tolerated. In summary, the available evidence is currently insufficient to determine the role of this variant in disease. Therefore, it has been classified as a Variant of Uncertain Significance.

Baylor Genetics
Classification: Uncertain significance for BAP1-related tumor predisposition syndrome. Last evaluated: 2023-06-23. Review status: criteria provided, single submitter. Criteria: ACMG Guidelines, 2015. Collection method: clinical testing. Allele origin: unknown.

Ambry Genetics
Classification: Uncertain significance for Hereditary cancer-predisposing syndrome. Last evaluated: 2022-12-17. Review status: criteria provided, single submitter. Criteria: Ambry Variant Classification Scheme 2023. Collection method: clinical testing. Allele origin: germline.
Comment: The p.E297A variant (also known as c.890A>C), located in coding exon 10 of the BAP1 gene, results from an A to C substitution at nucleotide position 890. The glutamic acid at codon 297 is replaced by alanine, an amino acid with dissimilar properties. This amino acid position is conserved. In addition, this alteration is predicted to be tolerated by in silico analysis. Since supporting evidence is limited at this time, the clinical significance of this alteration remains unclear.

NM_004656.4(BAP1):c.890A>C (p.Glu297Ala)

Gene: BAP1 (BRCA1 associated deubiquitinase 1; minus strand). Cytogenetic location: 3p21.1.
Variant type: single nucleotide variant.
Coding change: c.890A>C on transcript NM_004656.4 (MANE Select); coding-DNA position 890, A replaced by C.
Protein change: p.Glu297Ala; replaces glutamic acid 297 with alanine.
Molecular consequence: missense variant.
Genome position (GRCh38, 1-based): chr3:52,405,806, T>G on the plus strand (A>C on the coding strand, the complement: BAP1 is on the minus strand). VCF-style: chr3-52405806-T-G. GRCh37 (hg19) VCF-style: chr3-52439822-T-G.
Other names: c.836A>C, p.Glu279Ala (NM_001410772.1); short protein forms E297A, E279A.
Identifiers: ClinVar variation 2497599 (VCV002497599.6), dbSNP rs1705137635, ClinGen allele CA353106636.